The following is an entry in ClinVar:

ClinVar aggregate classification (germline): Uncertain significance (1 of 4 stars; one submission).

Conditions:
Cardiovascular phenotype. Identifiers: MedGen CN230736.

gnomAD v4.1: 1 of 1,613,850 alleles (0.000062%); no homozygotes.

Submission:

Ambry Genetics
Classification: Uncertain significance for Cardiovascular phenotype. Last evaluated: 2026-09-11. Review status: criteria provided, single submitter. Criteria: Ambry Variant Classification Scheme 2023. Collection method: clinical testing. Allele origin: germline.
Comment: The p.V2380I variant (also known as c.7138G>A), located in coding exon 26 of the APOB gene, results from a G to A substitution at nucleotide position 7138. The valine at codon 2380 is replaced by isoleucine, an amino acid with highly similar properties. This amino acid position is conserved. In addition, this alteration is predicted to be tolerated by in silico analysis. Based on the available evidence, the clinical significance of this variant remains unclear.

NM_000384.3(APOB):c.7138G>A (p.Val2380Ile)

Gene: APOB (apolipoprotein B; minus strand). Cytogenetic location: 2p24.1.
Variant type: single nucleotide variant.
Coding change: c.7138G>A on transcript NM_000384.3 (MANE Select); coding-DNA position 7138, G replaced by A.
Protein change: p.Val2380Ile; replaces valine 2380 with isoleucine.
Molecular consequence: missense variant.
Genome position (GRCh38, 1-based): chr2:21,009,730, C>T on the plus strand (G>A on the coding strand, the complement: APOB is on the minus strand). VCF-style: chr2-21009730-C-T. GRCh37 (hg19) VCF-style: chr2-21232602-C-T.
Other names: short protein forms V2380I.
Identifiers: ClinVar variation 3416959 (VCV003416959.2).